The following continues an entry in ClinVar:

NM_000492.4(CFTR):c.571T>G (p.Phe191Val)

Gene: CFTR. ClinVar aggregate classification (germline): Pathogenic. Pathogenic (1).

Submissions 11 to 19 of 19:

Mendelics
Classification: Pathogenic for Cystic fibrosis. Last evaluated: 2022-05-20. Review status: criteria provided, single submitter. Criteria: Mendelics Assertion Criteria 2017. Collection method: clinical testing. Allele origin: unknown. Affected: yes. Not counted in ClinVar's aggregate classification.

Genome-Nilou Lab
Classification: Likely pathogenic for Cystic fibrosis. Last evaluated: 2021-07-22. Review status: criteria provided, single submitter. Criteria: ACMG Guidelines, 2015. Collection method: clinical testing. Allele origin: germline. Affected: no. Not counted in ClinVar's aggregate classification.

CFTR-France
Classification: Pathogenic for cystic fibrosis; CFTR-related disorders. Last evaluated: 2021-01-18. Review status: criteria provided, single submitter. Criteria: Claustres M et al. (Hum Mutat 2017). Collection method: curation. Allele origin: germline. Affected: yes. Not counted in ClinVar's aggregate classification.
Comment: the variant causes a phenotype but regarding our data, we can't formally attribute it to CF, CFTR-RD or both

Genome Diagnostics Laboratory, The Hospital for Sick Children
Classification: Likely pathogenic for Cystic fibrosis. Last evaluated: 2020-03-30. Review status: criteria provided, single submitter. Criteria: ACMG Guidelines, 2015. Collection method: clinical testing. Allele origin: germline. Not counted in ClinVar's aggregate classification.

ARUP Laboratories, Molecular Genetics and Genomics, ARUP Laboratories
Classification: Likely pathogenic. Last evaluated: 2019-02-21. Review status: criteria provided, single submitter. Criteria: ARUP Molecular Germline Variant Investigation Process. Collection method: clinical testing. Allele origin: germline. Not counted in ClinVar's aggregate classification.
Comment: The CFTR c.571T>G; p.Phe191Val variant (rs141482808) is reported in the literature in individuals affected with cystic fibrosis (CF) or nonclassic CF (Giusti 2008, Groman 2002, Schrijver 2016). This variant has been observed in the homozygous state in a newborn with a positive sweat chloride test (Giusti 2008) and in an individual with nonclassic CF that carried an additional pathogenic CFTR variant (Groman 2002). The p.Phe191Val variant is found on only three chromosomes (3/16210 alleles, 0.02%) in the African population in the Genome Aggregation Database, indicating it is not a common polymorphism. The phenylalanine at codon 191 is moderately conserved, but computational analyses (SIFT: tolerated, PolyPhen-2: damaging) predict conflicting effects of this variant on protein structure/function. However, based on available information, including its incidence in affected individuals, this variant is considered to be likely pathogenic. References: Giusti R et al. Elevated IRT levels in African-American infants: implications for newborn screening in an ethnically diverse population. Pediatr Pulmonol. 2008 Jul;43(7):638-41. Groman JD et al. Variant cystic fibrosis phenotypes in the absence of CFTR mutations. N Engl J Med. 2002 Aug 8;347(6):401-7. Schrijver I et al. The Spectrum of CFTR Variants in Nonwhite Cystic Fibrosis Patients: Implications for Molecular Diagnostic Testing. J Mol Diagn. 2016 Jan;18(1):39-50.

Eurofins Ntd Llc (ga)
Classification: Likely pathogenic. Last evaluated: 2017-04-21. Review status: criteria provided, single submitter. Criteria: EGL Classification Definitions 2015. Collection method: clinical testing. Allele origin: germline. Observed: 2 variant alleles, 2 heterozygotes. Not counted in ClinVar's aggregate classification.

Baylor Genetics
Classification: Likely pathogenic for Congenital bilateral aplasia of vas deferens from CFTR mutation; Cystic fibrosis. Review status: criteria provided, single submitter. Criteria: ACMG Guidelines, 2015. Collection method: clinical testing. Allele origin: germline. Not counted in ClinVar's aggregate classification.

PreventionGenetics, part of Exact Sciences
Classification: Pathogenic for CFTR-related condition. Last evaluated: 2024-03-07. Review status: no assertion criteria provided. Collection method: clinical testing. Allele origin: germline. Not counted in ClinVar's aggregate classification.
Comment: The CFTR c.571T>G variant is predicted to result in the amino acid substitution p.Phe191Val. This variant has been reported in individuals with classic and non-classic cystic fibrosis (Groman et al. 2002. PubMed ID: 12167682; Schrijver et al. 2016. PubMed ID: 26708955; Gunnett et al. 2023. PubMed ID: 36969284). Additionally, this variant has been reported compound heterozygous with another pathogenic variant in a patient with cystic fibrosis (Cornet et al. 2022. PubMed ID: 36751320). In vitro, and in vivo functional and biochemical studies using human nasal epithelial cells demonstrated diminished protein expression and reduced ion transport which improved with combination therapy treatment (McCravy et al. 2020. PubMed ID: 32265312). This variant is reported in 0.019% of alleles in individuals of African descent in gnomAD. This variant is interpreted as pathogenic.

Genome Diagnostics Laboratory, The Hospital for Sick Children
Classification: Likely pathogenic for CFTR-related disorders. Last evaluated: 2020-03-30. Review status: no assertion criteria provided. Collection method: clinical testing. Allele origin: germline. Not counted in ClinVar's aggregate classification.

Literature cited by the submitters: PubMed 18500736 (cited by 5 submitters); PubMed 18951463 (cited by 3 submitters); PubMed 12167682 (cited by 5 submitters); PubMed 26708955 (cited by Labcorp Genetics (formerly Invitae), Labcorp and Women's Health and Genetics/Laboratory Corporation of America, LabCorp); PubMed 31845523 (cited by Labcorp Genetics (formerly Invitae), Labcorp and Women's Health and Genetics/Laboratory Corporation of America, LabCorp); PubMed 32265312 (cited by 4 submitters); PubMed 34814176 (cited by Natera, Inc. and Women's Health and Genetics/Laboratory Corporation of America, LabCorp); PubMed 36751320 (cited by Natera, Inc. and Women's Health and Genetics/Laboratory Corporation of America, LabCorp); PubMed 34583889 (cited by Women's Health and Genetics/Laboratory Corporation of America, LabCorp); PubMed 35527187 (cited by Women's Health and Genetics/Laboratory Corporation of America, LabCorp); PubMed 38388235 (cited by Women's Health and Genetics/Laboratory Corporation of America, LabCorp).